The following is an entry in ClinVar:

ClinVar aggregate classification (germline): Uncertain significance (1 of 4 stars; one submission).

Conditions:
Inborn genetic diseases. Identifiers: MedGen C0950123, MeSH D030342.

gnomAD v4.1: 11 of 1,614,162 alleles (0.00068%); highest among the groups gnomAD compares: Admixed American, 0.0017%; no homozygotes.

Submission:

Ambry Genetics
Classification: Uncertain significance for Inborn genetic diseases. Last evaluated: 2024-11-25. Review status: criteria provided, single submitter. Criteria: Ambry Variant Classification Scheme 2023. Collection method: clinical testing. Allele origin: germline.
Comment: The p.S553L variant (also known as c.1658C>T), located in coding exon 7 of the SH2B3 gene, results from a C to T substitution at nucleotide position 1658. The serine at codon 553 is replaced by leucine, an amino acid with dissimilar properties. This amino acid position is conserved. In addition, this alteration is predicted to be tolerated by in silico analysis. Based on the available evidence, the clinical significance of this variant remains unclear.

NM_005475.3(SH2B3):c.1658C>T (p.Ser553Leu)

Gene: SH2B3 (SH2B adaptor protein 3; plus strand). Cytogenetic location: 12q24.12.
Variant type: single nucleotide variant.
Coding change: c.1658C>T on transcript NM_005475.3 (MANE Select); coding-DNA position 1658, C replaced by T.
Protein change: p.Ser553Leu; replaces serine 553 with leucine.
Molecular consequence: missense variant.
Genome position (GRCh38, 1-based): chr12:111,448,232, C>T. VCF-style: chr12-111448232-C-T. GRCh37 (hg19) VCF-style: chr12-111886036-C-T.
Other names: c.1052C>T, p.Ser351Leu (NM_001291424.1); short protein forms S351L, S553L.
Identifiers: ClinVar variation 3440783 (VCV003440783.1).
Genomic context (GRCh38, chr12:111,448,232, plus strand): 5'-AAGAACTGGCCAACAGCCTGCAGCACCTGGAGCATGAGCCTGTGAATCGAGCCCGGGACT[C>T]GGACTACGAAATGGACTCATCCTCCCGGAGCCACCTGCGGGCCATAGACAATCAGTACAC-3'
Protein context (NP_005466.1, residues 543-563): EHEPVNRARD[Ser553Leu]DYEMDSSSRS